The following is an entry in ClinVar:

ClinVar aggregate classification (germline): Pathogenic (1 of 4 stars; one submission).

Conditions:
Dilated cardiomyopathy 1DD (CMD1DD). Identifiers: Orphanet 154, MedGen C2750995, MONDO:0013168, OMIM 613172.

Allele frequency attached by ClinVar (database versions not stated): gnomAD 0.00001.

Submission:

Labcorp Genetics (formerly Invitae), Labcorp
Classification: Pathogenic for Dilated cardiomyopathy 1DD. Last evaluated: 2025-10-17. Review status: criteria provided, single submitter. Criteria: Invitae Variant Classification Sherloc (09022015). Collection method: clinical testing. Allele origin: germline.
Comment: This sequence change creates a premature translational stop signal (p.Ser357*) in the RBM20 gene. It is expected to result in an absent or disrupted protein product. Loss-of-function variants in RBM20 are known to be pathogenic (PMID: 40339755, 38288598, 38510713). This variant is present in population databases (no rsID available, gnomAD 0.01%). This variant has not been reported in the literature in individuals affected with RBM20-related conditions. For these reasons, this variant has been classified as Pathogenic.

Literature cited by the submitters: PubMed 40339755; PubMed 38288598; PubMed 38510713.

NM_001134363.3(RBM20):c.1070C>A (p.Ser357Ter)

Gene: RBM20 (RNA binding motif protein 20; plus strand). Cytogenetic location: 10q25.2.
Variant type: single nucleotide variant.
Coding change: c.1070C>A on transcript NM_001134363.3 (MANE Select); coding-DNA position 1070, C replaced by A.
Protein change: p.Ser357Ter; replaces serine 357 with a stop codon.
Molecular consequence: nonsense.
Genome position (GRCh38, 1-based): chr10:110,781,679, C>A. VCF-style: chr10-110781679-C-A. GRCh37 (hg19) VCF-style: chr10-112541437-C-A.
Other names: short protein forms S357*.
Identifiers: ClinVar variation 1973169 (VCV001973169.5), dbSNP rs1325394520, ClinGen allele CA378385513.